The following is an entry in ClinVar:

ClinVar aggregate classification (germline): Likely benign. Review status: criteria provided, multiple submitters, no conflicts (2 of 4 stars). 6 submissions from 6 submitters: Likely benign (6). Last evaluated 2025-08-22.

Conditions:
Hereditary cancer-predisposing syndrome. Also called: Neoplastic Syndromes, Hereditary; Hereditary Cancer Syndrome; Tumor predisposition; Hereditary neoplastic syndrome. Identifiers: Orphanet 140162, MedGen C0027672, MeSH D009386, MONDO:0015356.
Multiple endocrine neoplasia, type 2 (MEN2). Identifiers: Orphanet 653, MedGen C4048306, MONDO:0019003. Disease mechanism: gain of function.

Allele frequency attached by ClinVar (database versions not stated): gnomAD exomes below 0.00001 and 0.00001; TOPMed below 0.00001; gnomAD 0.00001; 1000 Genomes Project 30x 0.00016; 1000 Genomes Project 0.00020.
gnomAD v4.1: 7 of 1,614,134 alleles (0.00043%); highest among the groups gnomAD compares: South Asian, 0.0055%; no homozygotes.

Submissions (6):

Labcorp Genetics (formerly Invitae), Labcorp
Classification: Likely benign for Multiple endocrine neoplasia, type 2. Last evaluated: 2025-08-22. Review status: criteria provided, single submitter. Criteria: Invitae Variant Classification Sherloc (09022015). Collection method: clinical testing. Allele origin: germline.

CeGaT Center for Human Genetics Tuebingen
Classification: Likely benign. Last evaluated: 2023-05-01. Review status: criteria provided, single submitter. Criteria: CeGaT Center For Human Genetics Tuebingen Variant Classification Criteria Version 2. Collection method: clinical testing. Allele origin: germline. Affected: yes. Observed: 1 variant allele.
Comment: RET: BP4, BP7

Sema4
Classification: Likely benign for Hereditary cancer-predisposing syndrome. Last evaluated: 2021-07-27. Review status: criteria provided, single submitter. Criteria: Sema4 Curation Guidelines. Collection method: curation. Allele origin: germline.

Blueprint Genetics
Classification: Likely benign. Last evaluated: 2019-09-17. Review status: criteria provided, single submitter. Criteria: ACMG Guidelines, 2015. Collection method: clinical testing. Allele origin: germline.

Ambry Genetics
Classification: Likely benign for Hereditary cancer-predisposing syndrome. Last evaluated: 2018-05-11. Review status: criteria provided, single submitter. Criteria: Ambry Variant Classification Scheme 2023. Collection method: clinical testing. Allele origin: germline.

GeneDx
Classification: Likely benign. Last evaluated: 2017-06-09. Review status: criteria provided, single submitter. Criteria: GeneDx Variant Classification (06012015). Collection method: clinical testing. Allele origin: germline. Affected: yes.
Comment: This variant is considered likely benign or benign based on one or more of the following criteria: it is a conservative change, it occurs at a poorly conserved position in the protein, it is predicted to be benign by multiple in silico algorithms, and/or has population frequency not consistent with disease.

NM_020975.6(RET):c.1374C>T (p.Ala458=)

Gene: RET (ret proto-oncogene; plus strand). Cytogenetic location: 10q11.21.
Variant type: single nucleotide variant.
Coding change: c.1374C>T on transcript NM_020975.6 (MANE Select); coding-DNA position 1374, C replaced by T.
Protein change: p.Ala458=; no amino-acid change (alanine 458 retained).
Molecular consequence: synonymous variant. On other transcripts: intron variant (15).
Genome position (GRCh38, 1-based): chr10:43,111,317, C>T. VCF-style: chr10-43111317-C-T. GRCh37 (hg19) VCF-style: chr10-43606765-C-T.
Other names: c.1374C>T, p.Ala458= (NM_000323.2, NM_001406743.1, NM_001406744.1 and 6 more transcripts); c.612C>T, p.Ala204= (NM_001355216.2); c.1245C>T, p.Ala415= (NM_001406761.1, NM_001406762.1, NM_001406764.1 and 1 more transcripts); c.1086C>T, p.Ala362= (NM_001406766.1, NM_001406767.1, NM_001406770.1); c.978C>T, p.Ala326= (NM_001406769.1, NM_001406772.1); c.936C>T, p.Ala312= (NM_001406771.1, NM_001406773.1); c.849C>T, p.Ala283= (NM_001406774.1); c.648C>T, p.Ala216= (NM_001406775.1, NM_001406776.1, NM_001406777.1 and 1 more transcripts); and 5 more.
Identifiers: ClinVar variation 517909 (VCV000517909.42), dbSNP rs190750926, ClinGen allele CA206261375.